The following is an entry in ClinVar:

ClinVar aggregate classification (germline): Uncertain significance (1 of 4 stars; one submission).

Submission:

GeneDx
Classification: Uncertain significance. Last evaluated: 2022-10-10. Review status: criteria provided, single submitter. Criteria: GeneDx Variant Classification Process June 2021. Collection method: clinical testing. Allele origin: germline. Affected: yes.
Comment: Variants in candidate genes are classified as variants of uncertain significance in accordance with ACMG guidelines (Richards et al., 2015); Not observed at significant frequency in large population cohorts (gnomAD); In silico analysis supports that this missense variant has a deleterious effect on protein structure/function; Has not been previously published as pathogenic or benign to our knowledge

NM_018897.3(DNAH7):c.10903T>G (p.Tyr3635Asp)

Gene: DNAH7 (dynein axonemal heavy chain 7; minus strand). Cytogenetic location: 2q32.3.
Variant type: single nucleotide variant.
Coding change: c.10903T>G on transcript NM_018897.3 (MANE Select); coding-DNA position 10903, T replaced by G.
Protein change: p.Tyr3635Asp; replaces tyrosine 3635 with aspartic acid.
Molecular consequence: missense variant.
Genome position (GRCh38, 1-based): chr2:195,777,961, A>C on the plus strand (T>G on the coding strand, the complement: DNAH7 is on the minus strand). VCF-style: chr2-195777961-A-C. GRCh37 (hg19) VCF-style: chr2-196642685-A-C.
Other names: short protein forms Y3635D.
Identifiers: ClinVar variation 3342662 (VCV003342662.1).
Genomic context (GRCh38, chr2:195,777,961, plus strand): 5'-GCGTGCGCCGGTCCCAGTCATCGGTCACTCTGCCTCCGTAATTGCATTCGCCAGTCATGT[A>C]CCGCAGAGCCTCATACGGCAGTTCCTAAAATAGTGCGTGTCAGTCAACCAGTTATCAGTA-3'
Protein context (NP_061720.2, residues 3625-3645): YEELPYEALR[Tyr3635Asp]MTGECNYGGR